The following is an entry in ClinVar:

ClinVar aggregate classification (germline): Pathogenic (1 of 4 stars; one submission).

Conditions:
Norman-Roberts syndrome (LIS2). Also called: Lissencephaly 2 (Norman-Roberts type). Identifiers: Orphanet 89844, MedGen C0796089, MONDO:0009760, OMIM 257320.
Familial temporal lobe epilepsy 7. Identifiers: Orphanet 101046, MedGen C4225327, MONDO:0014639, OMIM 616436.

Submission:

Labcorp Genetics (formerly Invitae), Labcorp
Classification: Pathogenic for Familial temporal lobe epilepsy 7; Norman-Roberts syndrome. Last evaluated: 2022-08-25. Review status: criteria provided, single submitter. Criteria: Invitae Variant Classification Sherloc (09022015). Collection method: clinical testing. Allele origin: germline.
Comment: For these reasons, this variant has been classified as Pathogenic. This variant has not been reported in the literature in individuals affected with RELN-related conditions. This variant is a gross deletion of the genomic region encompassing exon(s) 3-6 of the RELN gene. This deletion is out-of-frame, and is expected to create a premature termination codon and result in an absent or disrupted protein product. Loss-of-function variants in RELN are known to be pathogenic (PMID: 10973257, 26046367, 28454995).

Literature cited by the submitters: PubMed 10973257; PubMed 26046367; PubMed 28454995.

NC_000007.13:g.(?_103389853)_(103474139_?)del

Gene: RELN (reelin; minus strand). Cytogenetic location: 7q22.1.
Variant type: Deletion.
Identifiers: ClinVar variation 2425283 (VCV002425283.4).